The following is an entry in ClinVar:

ClinVar aggregate classification (germline): Uncertain significance. Review status: criteria provided, multiple submitters, no conflicts (2 of 4 stars). 2 submissions from 2 submitters: Uncertain significance (2). Last evaluated 2024-10-24.

Conditions:
Wiedemann-Steiner syndrome (WDSTS). Also called: Growth deficiency and mental retardation with facial dysmorphism. Identifiers: Orphanet 319182, MedGen C1854630, MONDO:0011518, OMIM 605130.

Submissions (2):

Labcorp Genetics (formerly Invitae), Labcorp
Classification: Uncertain significance. Last evaluated: 2024-10-24. Review status: criteria provided, single submitter. Criteria: Invitae Variant Classification Sherloc (09022015). Collection method: clinical testing. Allele origin: germline.
Comment: This sequence change replaces arginine, which is basic and polar, with lysine, which is basic and polar, at codon 164 of the KMT2A protein (p.Arg164Lys). This variant is not present in population databases (gnomAD no frequency). This variant has not been reported in the literature in individuals affected with KMT2A-related conditions. ClinVar contains an entry for this variant (Variation ID: 931732). Invitae Evidence Modeling of protein sequence and biophysical properties (such as structural, functional, and spatial information, amino acid conservation, physicochemical variation, residue mobility, and thermodynamic stability) indicates that this missense variant is not expected to disrupt KMT2A protein function with a negative predictive value of 95%. In summary, the available evidence is currently insufficient to determine the role of this variant in disease. Therefore, it has been classified as a Variant of Uncertain Significance.

Centre for Mendelian Genomics, University Medical Centre Ljubljana
Classification: Uncertain significance for Wiedemann-Steiner syndrome. Last evaluated: 2018-11-28. Review status: criteria provided, single submitter. Criteria: ACMG Guidelines, 2015. Collection method: clinical testing. Allele origin: unknown. Affected: yes.
Comment: This variant was classified as: Uncertain significance. The available evidence on this variant's pathogenicity is insufficient or conflicting. The following ACMG criteria were applied in classifying this variant: PM2.

NM_001197104.2(KMT2A):c.491G>A (p.Arg164Lys)

Gene: KMT2A (lysine methyltransferase 2A; plus strand). Cytogenetic location: 11q23.3.
Variant type: single nucleotide variant.
Coding change: c.491G>A on transcript NM_001197104.2 (MANE Select); coding-DNA position 491, G replaced by A.
Protein change: p.Arg164Lys; replaces arginine 164 with lysine.
Molecular consequence: missense variant.
Genome position (GRCh38, 1-based): chr11:118,468,833, G>A. VCF-style: chr11-118468833-G-A. GRCh37 (hg19) VCF-style: chr11-118339548-G-A.
Other names: c.491G>A, p.Arg164Lys (NM_005933.4); short protein forms R164K.
Identifiers: ClinVar variation 931732 (VCV000931732.7), dbSNP rs1949894030, ClinGen allele CA382803735.